The following continues an entry in ClinVar:

NM_000051.4(ATM):c.1564_1565del (p.Glu522fs)

Gene: ATM. ClinVar aggregate classification (germline): Pathogenic. Pathogenic (1).

Submissions 27 to 42 of 46:

Genetics and Molecular Pathology, SA Pathology
Classification: Pathogenic for Ataxia-telangiectasia syndrome. Last evaluated: 2022-03-30. Review status: criteria provided, single submitter. Criteria: ACMG Guidelines, 2015. Collection method: clinical testing. Allele origin: germline. Inheritance: Autosomal recessive inheritance. Affected: yes. Not counted in ClinVar's aggregate classification.
Comment: The ATM c.1564_1565del variant is classified as a PATHOGENIC variant (PVS1, PM2, PS4_supporting) The variant is a 2-base pair deletion in exon 10/63 of the ATM gene which results in a frameshift starting at codon Glutamic acid 522, changes this amino acid to an Isoleucine, and creating a premature STOP codon 43 amino acids downstream (denoted p.Glu522Ilefs*43) (PVS1). The variant has been reported in dbSNP (rs1374409941) but is rare in the disease databases (gnomAD: 8/152158, 0 homozygote) (PM2). The variant has been reported in both ClinVar (ID: #127340) and HGMD (accession: CD961794) as a disease causing variant (PS4_supporting).

Practice for Gait Abnormalities, David Pomarino, Competency Network Toe Walking C/o Practice Pomarino
Classification: Pathogenic for Tip-toe gait. Last evaluated: 2022-03-15. Review status: criteria provided, single submitter. Criteria: ACMG Guidelines, 2015. Collection method: clinical testing. Allele origin: germline. Affected: yes. Not counted in ClinVar's aggregate classification.
Comment: Gait disorder

GeneDx
Classification: Pathogenic. Last evaluated: 2022-03-01. Review status: criteria provided, single submitter. Criteria: GeneDx Variant Classification Process June 2021. Collection method: clinical testing. Allele origin: germline. Affected: yes. Not counted in ClinVar's aggregate classification.
Comment: Frameshift variant predicted to result in protein truncation or nonsense mediated decay in a gene for which loss-of-function is a known mechanism of disease; Observed in the heterozygous state in individuals with breast, pancreatic, and other cancers (Huang 2015, Hansford 2015, Mansfield 2016, Brand 2018, Dudley 2018, Waszak 2018, West 2018, Young 2018, Long 2019); Not observed at significant frequency in large population cohorts (gnomAD); Also known as 1561_1562delAG, 1563_1564delAG, and 1562delAG; This variant is associated with the following publications: (PMID: 31447099, 29625052, 26689913, 28390840, 27533158, 29360161, 29753700, 28152038, 28843361, 31285527, 8789452, 21965147, 9792409, 23566627, 25980754, 22213089, 26506520, 11756177, 18634022, 26681312, 27083775, 28126470, 26182300, 27988859, 27479817, 28779002, 29785153, 28767289, 25186627, 30549301, 29445900, 30322717, 30612635, 31407689, 30772474, 30067863, 29945567, 29522266, 23242139, 31589614, 33436325, 32885271, 32427313, 32441320, 33098801, 33280026)

Sema4
Classification: Pathogenic for Hereditary cancer-predisposing syndrome. Last evaluated: 2021-09-10. Review status: criteria provided, single submitter. Criteria: Sema4 Curation Guidelines. Collection method: curation. Allele origin: germline. Not counted in ClinVar's aggregate classification.
Comment: The ATM c.1564_1565delGA (p.E522IfsX43) variant has been reported in several individuals with cancer including breast cancer, gastric cancer, lung cancer, pancreatic cancer, medulloblastoma, Lynch Syndrome-associated cancer and/or colorectal polyps (PMID: 27083775, 27988859, 29785153, 26506520, 25980754, 2884336, 28767289, 29753700). Additionally, it was also described in ataxia-telangiectasia patients in either homozygous or compound heterozygous state (PMID: 30772474, 10817650). This variant causes a frameshift at amino acid 522 that results in premature termination 43 amino acids downstream. At this location, this is predicted to cause nonsense-mediated decay and result in an absent protein (loss of function). Loss of function variants in ATM are known to be pathogenic (PMID: 31050087). This variant was observed in 12/113526 chromosomes of the Non-Finnish European subpopulation, with no homozygotes, in the large and broad cohorts of the Genome Aggregation Database (PMID: 32461654). The variant has been reported in ClinVar (Variation ID 127340). Based on the current evidence available, this variant is interpreted as pathogenic.

Athena Diagnostics
Classification: Pathogenic. Last evaluated: 2020-11-18. Review status: criteria provided, single submitter. Criteria: Athena Diagnostics criteria. Collection method: clinical testing. Allele origin: unknown. Not counted in ClinVar's aggregate classification.
Comment: This variant is expected to result in the loss of a functional protein. The frequency of this variant in the general population is consistent with pathogenicity. This variant has been identified in at least one individual with clinical features associated with this gene. In multiple individuals, this variant has been seen with a single recessive pathogenic variant in the same gene, suggesting this variant may also be pathogenic.

Spanish ATM Cancer Susceptibility Variant Interpretation Working Group
Classification: Pathogenic for Hereditary cancer-predisposing syndrome. Last evaluated: 2020-06-17. Review status: criteria provided, single submitter. Criteria: Feliubadaló L et al. (Clin Chem 2021). Collection method: clinical testing. Allele origin: germline. Affected: yes. Observed: 2 heterozygotes. Clinical features observed: Lymphoma, Colorectal cancer, Adenomas, multiple colorectal, Hodgkin lymphoma, Oncocytoma of kidney, Colorectal polyposis, Breast carcinoma. Not counted in ClinVar's aggregate classification.
Comment: The c.1564_1565del p.(Glu522Ilefs*43) variant is predicted to result in a premature stop codon that leads to a truncated or absent protein, due to nonsense mediated decay (NMD) (PVS1). It has an allele frequency of 0.00004232 (0.004%, 10/236,314 alleles) in the gnomAD v2.1.1 non-cancer dataset, with a maximal frequency of 0.000078 (0.008%, 8/102,512 alleles) in the Non-Finnish European subpopulation (no population frequency criterion met). This variant has been reported in at least four ataxia-telangiectasia probands in trans with pathogenic variants (PMID: 15880721, 16266405) and in three homozygous probands (PMID: 12497634), which awards it with 4 points as per ClinGen SVI Recommendation for in trans Criterion (PM3_VeryStrong). It has also been observed in at least 10 other ataxia-telangiectasia probands (PMID: 9463314, 21965147, 30772474). In summary, this variant meets criteria to be classified as pathogenic. Adapted ACMG/AMP rules applied as defined by the Spanish ATM working group: PVS1 + PM3_VeryStrong (PMID: 33280026).

Department of Molecular Diagnostics, Institute of Oncology Ljubljana
Classification: Pathogenic for Familial cancer of breast. Last evaluated: 2020-04-02. Review status: criteria provided, single submitter. Criteria: ACMG Guidelines, 2015. Collection method: clinical testing. Allele origin: germline. Affected: yes. Not counted in ClinVar's aggregate classification.

Revvity Omics, Revvity
Classification: Pathogenic for Ataxia-telangiectasia syndrome. Last evaluated: 2019-06-11. Review status: criteria provided, single submitter. Criteria: ACMG Guidelines, 2015. Collection method: clinical testing. Allele origin: germline. Not counted in ClinVar's aggregate classification.

Institute of Human Genetics Munich, TUM University Hospital
Classification: Pathogenic for Ataxia-telangiectasia syndrome. Last evaluated: 2019-02-21. Review status: criteria provided, single submitter. Criteria: Classification criteria August 2017. Collection method: clinical testing. Allele origin: germline. Inheritance: Autosomal recessive inheritance. Affected: yes. Observed: 1 compound heterozygote. Not counted in ClinVar's aggregate classification.

Women's Health and Genetics/Laboratory Corporation of America, LabCorp
Classification: Pathogenic for Ataxia-telangiectasia syndrome. Last evaluated: 2018-07-09. Review status: criteria provided, single submitter. Criteria: LabCorp Variant Classification Summary - May 2015. Collection method: clinical testing. Allele origin: germline. Not counted in ClinVar's aggregate classification.
Comment: Variant summary: ATM c.1564_1565delGA (p.Glu522IlefsX43) results in a premature termination codon, predicted to cause a truncation of the encoded protein or absence of the protein due to nonsense mediated decay, which are commonly known mechanisms for disease. The variant allele was found at a frequency of 5.3e-05 in 246034 control chromosomes (gnomAD). This frequency is not significantly higher than expected for a pathogenic variant in ATM causing Ataxia-Telangiectasia (5.3e-05 vs 0.004), allowing no conclusion about variant significance. The variant, c.1564_1565delGA, has been reported in the literature in multiple individuals affected with Ataxia-Telangiectasia (Demuth_2011, Stankovic_1998, Sandoval_199). These data indicate that the variant is very likely to be associated with disease. To our knowledge, no experimental evidence demonstrating an impact on protein function has been reported. Six ClinVar submission from clinical diagnostic laboratories (evaluation after 2014) cites the variant as pathogenic. Based on the evidence outlined above, the variant was classified as pathogenic.

Center for Pediatric Genomic Medicine, Children's Mercy Hospital and Clinics
Classification: Pathogenic. Last evaluated: 2017-08-29. Review status: criteria provided, single submitter. Criteria: ACMG Guidelines, 2015. Collection method: clinical testing. Allele origin: germline. Not counted in ClinVar's aggregate classification.

Human Genome Sequencing Center Clinical Lab, Baylor College of Medicine
Classification: Pathogenic for Familial cancer of breast. Last evaluated: 2017-01-30. Review status: criteria provided, single submitter. Criteria: ACMG Guidelines, 2015. Collection method: clinical testing. Allele origin: germline. Not counted in ClinVar's aggregate classification.
Comment: This c.1564_1565del (p.Glu522Ilefs*43) has previously been reported a patient with ataxia telangiectasia [p.R521fs in PMID 8789452]. It has also been reported in patients with gastric cancer and suspected lynch syndrome [c.1561_1562del, p.R521fs in PMID 26506520]. This c.1564_1565del (p.Glu522Ilefs*43) variant been observed in 6 heterozygous individuals in the ExAC population database. It is thus interpreted as a likely pathogenic variant.

GeneReviews
Classification: Pathogenic for Ataxia-telangiectasia syndrome. Last evaluated: 2016-10-27. Review status: no assertion criteria provided. Collection method: literature only. Allele origin: germline. Affected: yes. Not counted in ClinVar's aggregate classification.

Counsyl
Classification: Pathogenic for Ataxia-telangiectasia syndrome. Last evaluated: 2014-06-03. Review status: no assertion criteria provided. Collection method: literature only. Allele origin: unknown. Inheritance: Autosomal recessive inheritance. Not counted in ClinVar's aggregate classification.

Clinical Genetics DNA and cytogenetics Diagnostics Lab, Erasmus MC, Erasmus Medical Center
Classification: Pathogenic. Review status: no assertion criteria provided. Collection method: clinical testing. Allele origin: germline. Affected: yes. Study: VKGL Data-share Consensus. Not counted in ClinVar's aggregate classification.

Clinical Genetics Laboratory, Department of Pathology, Netherlands Cancer Institute
Classification: Pathogenic. Review status: no assertion criteria provided. Collection method: clinical testing. Allele origin: germline. Affected: yes. Study: VKGL Data-share Consensus. Not counted in ClinVar's aggregate classification.